The following is an entry in ClinVar:

ClinVar aggregate classification (germline): Pathogenic (1 of 4 stars; one submission).

Submission:

Labcorp Genetics (formerly Invitae), Labcorp
Classification: Pathogenic. Last evaluated: 2024-05-31. Review status: criteria provided, single submitter. Criteria: Invitae Variant Classification Sherloc (09022015). Collection method: clinical testing. Allele origin: germline.
Comment: This sequence change creates a premature translational stop signal (p.Ala253Leufs*2) in the STX3 gene. It is expected to result in an absent or disrupted protein product. Loss-of-function variants in STX3 are known to be pathogenic (PMID: 24726755). This variant is not present in population databases (gnomAD no frequency). This variant has not been reported in the literature in individuals affected with STX3-related conditions. Algorithms developed to predict the effect of sequence changes on RNA splicing suggest that this variant may disrupt the consensus splice site. For these reasons, this variant has been classified as Pathogenic.

Literature cited by the submitters: PubMed 24726755.

NM_004177.5(STX3):c.756del (p.Ala253fs)

Gene: STX3 (syntaxin 3; plus strand). Cytogenetic location: 11q12.1.
Variant type: Deletion.
Coding change: c.756del on transcript NM_004177.5 (MANE Select); coding-DNA position 756, one base deleted (A; older notation c.756delA).
Protein change: p.Ala253fs; shifts the reading frame from alanine 253.
Molecular consequence: frameshift variant.
Genome position (GRCh38, 1-based): chr11:59,795,452, A deleted; the last of 6 consecutive A bases (chr11:59,795,447-59,795,452); deleting any one gives the same sequence. VCF-style (leftmost placement, unchanged base first): chr11-59795446-GA-G. GRCh37 (hg19) VCF-style: chr11-59562919-GA-G.
Other names: c.756delA, p.Ala253Leufs (NM_001178040.3); short protein forms A253fs.
Identifiers: ClinVar variation 3655238 (VCV003655238.2).